The following is an entry in ClinVar:

NM_001080414.4(CCDC88C):c.5841_5842del (p.Glu1949fs)

Gene: CCDC88C (coiled-coil and HOOK domain protein 88C; minus strand). Cytogenetic location: 14q32.11.
Variant type: Deletion.
Coding change: c.5841_5842del on transcript NM_001080414.4 (MANE Select); coding-DNA positions 5841 to 5842, 2 bases deleted (AG; older notation c.5841_5842delAG).
Protein change: p.Glu1949fs; shifts the reading frame from glutamic acid 1949.
Molecular consequence: frameshift variant.
Genome position (GRCh38, 1-based): chr14:91,272,870-91,272,871, CT deleted on the plus strand (AG on the coding strand, the reverse complement: CCDC88C is on the minus strand). VCF-style (leftmost placement, unchanged base first): chr14-91272869-CCT-C. GRCh37 (hg19) VCF-style: chr14-91739213-CCT-C.
Other names: NM_001080414.4(CCDC88C):c.5841_5842del; p.Glu1949fs; short protein forms E1949fs.
Identifiers: ClinVar variation 39862 (VCV000039862.3), dbSNP rs387907321, ClinGen allele CA130650.

ClinVar aggregate classification (germline): Likely pathogenic. Review status: criteria provided, single submitter (1 of 4 stars). 2 submissions from 2 submitters: Likely pathogenic (1). 1 of the submissions does not count toward it. Last evaluated 2023-01-25.

Conditions:
Congenital hydrocephalus. Identifiers: Orphanet 2185, MedGen C0020256, MONDO:0016349.
Hydrocephalus, nonsyndromic, autosomal recessive 1 (HYC1). Also called: Hydrocephalus, nonsyndromic, autosomal recessive; Congenital hydrocephalus 1. Identifiers: Orphanet 2185, MedGen C3887608, MONDO:0009360, OMIM 236600.

Allele frequency attached by ClinVar (database versions not stated): gnomAD 0.00001; TOPMed 0.00001.

Submissions (2):

Broad Center for Mendelian Genomics, Broad Institute of MIT and Harvard
Classification: Likely pathogenic for Congenital hydrocephalus. Last evaluated: 2023-01-25. Review status: criteria provided, single submitter. Criteria: ACMG Guidelines, 2015. Collection method: curation. Allele origin: germline. Inheritance: Autosomal recessive inheritance.
Comment: The p.Glu1949GlyfsTer26 variant in CCDC88C has been previously reported in five affected siblings from one family with congenital hydrocephalus 1 (PMID: 23042809), but has been identified in 0.008% (1/125568) chromosomes by TopMed (dbSNP ID: rs387907321). Although this variant has been seen in the general population in a heterozygous state, its frequency is low enough to be consistent with a recessive carrier frequency. This variant has also been reported in ClinVar (Variation ID: 39862) and has been interpreted as pathogenic by OMIM. This variant is predicted to cause a frameshift, which alters the protein‚Äôs amino acid sequence beginning at position 1393 and leads to a premature termination codon 19 amino acids downstream. This termination codon occurs within the terminal 50 bases of the last exon and is more likely to escape nonsense mediated decay (NMD) and result in a truncated protein. Loss of function of the CCDC88C gene is strongly associated to autosomal recessive congenital hydrocephalus 1. In summary, although additional studies are required to fully establish its clinical significance, this variant is likely pathogenic for autosomal recessive congenital hydrocephalus 1. ACMG/AMP Criteria applied: PVS1_Supporting, PM2_Supporting, PM3, PP1_Strong (Richards 2015).

OMIM
Classification: Pathogenic for HYDROCEPHALUS, CONGENITAL, 1. Last evaluated: 2012-11-01. Review status: no assertion criteria provided. Collection method: literature only. Allele origin: germline. Not counted in ClinVar's aggregate classification.

Literature cited by the submitters: Drielsma, A. Personal Communication. 2013. Brussels, Belgium (cited by OMIM); PubMed 23042809 (cited by OMIM).